The following is an entry in ClinVar:

ClinVar aggregate classification (germline): Uncertain significance. Review status: criteria provided, multiple submitters, no conflicts (2 of 4 stars). 3 submissions from 3 submitters: Uncertain significance (3). Last evaluated 2025-11-06.

Conditions:
Emery-Dreifuss muscular dystrophy 5, autosomal dominant (EDMD5). Also called: EMERY-DREIFUSS MUSCULAR DYSTROPHY 5. Identifiers: Orphanet 261, MedGen C2751805, MONDO:0013072, OMIM 612999.

Allele frequency attached by ClinVar (database versions not stated): ExAC 0.00001; gnomAD 0.00001; gnomAD exomes 0.00001; TOPMed 0.00001.
gnomAD v4.1: 8 of 1,613,512 alleles (0.0005%); highest among the groups gnomAD compares: Admixed American, 0.0017%; no homozygotes.

Submissions (3):

Ambry Genetics
Classification: Uncertain significance. Last evaluated: 2025-11-06. Review status: criteria provided, single submitter. Criteria: Ambry Variant Classification Scheme 2023. Collection method: clinical testing. Allele origin: germline.

Labcorp Genetics (formerly Invitae), Labcorp
Classification: Uncertain significance for Emery-Dreifuss muscular dystrophy 5, autosomal dominant. Last evaluated: 2025-08-11. Review status: criteria provided, single submitter. Criteria: Invitae Variant Classification Sherloc (09022015). Collection method: clinical testing. Allele origin: germline.
Comment: This sequence change replaces lysine, which is basic and polar, with glutamine, which is neutral and polar, at codon 606 of the SYNE2 protein (p.Lys606Gln). This variant is present in population databases (rs753994064, gnomAD 0.002%). This variant has not been reported in the literature in individuals affected with SYNE2-related conditions. ClinVar contains an entry for this variant (Variation ID: 2436859). An algorithm developed to predict the effect of missense changes on protein structure and function (PolyPhen-2) suggests that this variant is likely to be disruptive. In summary, the available evidence is currently insufficient to determine the role of this variant in disease. Therefore, it has been classified as a Variant of Uncertain Significance.

Revvity Omics, Revvity
Classification: Uncertain significance for Emery-Dreifuss muscular dystrophy 5, autosomal dominant. Last evaluated: 2019-08-12. Review status: criteria provided, single submitter. Criteria: ACMG Guidelines, 2015. Collection method: clinical testing. Allele origin: germline.

NM_182914.3(SYNE2):c.1816A>C (p.Lys606Gln)

Gene: SYNE2 (spectrin repeat containing nuclear envelope protein 2; plus strand). Cytogenetic location: 14q23.2.
Variant type: single nucleotide variant.
Coding change: c.1816A>C on transcript NM_182914.3 (MANE Select); coding-DNA position 1816, A replaced by C.
Protein change: p.Lys606Gln; replaces lysine 606 with glutamine.
Molecular consequence: missense variant.
Genome position (GRCh38, 1-based): chr14:63,981,153, A>C. VCF-style: chr14-63981153-A-C. GRCh37 (hg19) VCF-style: chr14-64447871-A-C.
Other names: c.1816A>C, p.Lys606Gln (NM_015180.6); short protein forms K606Q.
Identifiers: ClinVar variation 2436859 (VCV002436859.5), dbSNP rs753994064, ClinGen allele CA7219520.